The following is an entry in ClinVar:

ClinVar aggregate classification (germline): Likely benign. Review status: criteria provided, multiple submitters, no conflicts (2 of 4 stars). 4 submissions from 4 submitters: Likely benign (4). Last evaluated 2026-09-21.

Conditions:
TTN-related disorder. Also called: TTN-related disorders; TTN-related condition; TTN-related disease.
Cardiovascular phenotype. Identifiers: MedGen CN230736.
Dilated cardiomyopathy 1G (CMD1G). Identifiers: Orphanet 154, MedGen C1858763, MONDO:0011400, OMIM 604145.
Autosomal recessive limb-girdle muscular dystrophy type 2J (LGMDR10). Also called: Limb-girdle muscular dystrophy, type 2J; MUSCULAR DYSTROPHY, LIMB-GIRDLE, AUTOSOMAL RECESSIVE 10. Identifiers: Orphanet 140922, MedGen C1837342, MONDO:0012127, OMIM 608807.

Allele frequency attached by ClinVar (database versions not stated): gnomAD exomes 0.00001; ExAC 0.00002; TOPMed 0.00003; gnomAD 0.00001.
gnomAD v4.1: 4 of 1,613,194 alleles (0.00025%); highest among the groups gnomAD compares: African/African-American, 0.0053%; no homozygotes.

Submissions (4):

Molecular Diagnostic Laboratory for Inherited Cardiovascular Disease, Montreal Heart Institute
Classification: Likely benign. Last evaluated: 2026-09-21. Review status: criteria provided, single submitter. Criteria: ACMG Guidelines, 2015. Collection method: clinical testing. Allele origin: germline. Affected: no.
Comment: BP7

PreventionGenetics, part of Exact Sciences
Classification: Likely benign for TTN-related condition. Last evaluated: 2026-08-07. Review status: criteria provided, single submitter. Criteria: ACMG Guidelines, 2015. Collection method: clinical testing. Allele origin: germline.
Comment: This variant is classified as likely benign based on ACMG/AMP sequence variant interpretation guidelines (Richards et al. 2015 PMID: 25741868, with internal and published modifications).

Labcorp Genetics (formerly Invitae), Labcorp
Classification: Likely benign for Dilated cardiomyopathy 1G; Autosomal recessive limb-girdle muscular dystrophy type 2J. Last evaluated: 2025-05-29. Review status: criteria provided, single submitter. Criteria: Invitae Variant Classification Sherloc (09022015). Collection method: clinical testing. Allele origin: germline.

Ambry Genetics
Classification: Likely benign for Cardiovascular phenotype. Last evaluated: 2020-01-21. Review status: criteria provided, single submitter. Criteria: Ambry Variant Classification Scheme 2023. Collection method: clinical testing. Allele origin: germline.

NM_001267550.2(TTN):c.1869A>G (p.Gln623=)

Gene: TTN (titin; minus strand). Cytogenetic location: 2q31.2.
Variant type: single nucleotide variant.
Coding change: c.1869A>G on transcript NM_001267550.2 (MANE Select); coding-DNA position 1869, A replaced by G.
Protein change: p.Gln623=; no amino-acid change (glutamine 623 retained).
Molecular consequence: synonymous variant.
Genome position (GRCh38, 1-based): chr2:178,790,047, T>C on the plus strand (A>G on the coding strand, the complement: TTN is on the minus strand). VCF-style: chr2-178790047-T-C. GRCh37 (hg19) VCF-style: chr2-179654774-T-C.
Other names: c.1869A>G, p.Gln623= (NM_001256850.1, NM_133378.4, NM_133379.5); c.1731A>G, p.Gln577= (NM_003319.4, NM_133432.3, NM_133437.4).
Identifiers: ClinVar variation 413168 (VCV000413168.15), dbSNP rs750034931, ClinGen allele CA2005948.